The following is an entry in ClinVar:

NM_001754.5(RUNX1):c.1049C>T (p.Pro350Leu)

Gene: RUNX1 (RUNX family transcription factor 1; minus strand). Cytogenetic location: 21q22.12.
Variant type: single nucleotide variant.
Coding change: c.1049C>T on transcript NM_001754.5 (MANE Select); coding-DNA position 1049, C replaced by T.
Protein change: p.Pro350Leu; replaces proline 350 with leucine.
Molecular consequence: missense variant.
Genome position (GRCh38, 1-based): chr21:34,792,529, G>A on the plus strand (C>T on the coding strand, the complement: RUNX1 is on the minus strand). VCF-style: chr21-34792529-G-A. GRCh37 (hg19) VCF-style: chr21-36164826-G-A.
Other names: NM_001754.5(RUNX1):c.1049C>T; p.Pro350Leu; c.968C>T, p.Pro323Leu (NM_001001890.3); short protein forms P350L, P323L.
Identifiers: ClinVar variation 937756 (VCV000937756.10), dbSNP rs2056459331, ClinGen allele CA410148335.

ClinVar aggregate classification (germline): Uncertain significance. Review status: reviewed by expert panel (3 of 4 stars). 2 submissions from 2 submitters: Uncertain significance (1). 1 of the submissions does not count toward it. Last evaluated 2023-11-13.

Conditions:
Hereditary thrombocytopenia and hematologic cancer predisposition syndrome. Identifiers: Orphanet 71290, MedGen CN281654, MONDO:0011071.
Hereditary thrombocytopenia and hematological cancer predisposition syndrome associated with RUNX1. Also called: PLATELET DISORDER, ASPIRIN-LIKE; Familial Platelet Disorder with Propensity to Acute Myelogenous Leukemia; Familial thrombocytopenia with propensity to acute myelogenous leukemia; RUNX1 Familial Platelet Disorder with Associated Myeloid Malignancies. Identifiers: Orphanet 71290, MedGen C1832388, MeSH C563324, MONDO:0100083, OMIM 601399.

Submissions (2):

ClinGen Myeloid Malignancy Variant Curation Expert Panel
Classification: Uncertain significance for Hereditary thrombocytopenia and hematologic cancer predisposition syndrome. Last evaluated: 2023-11-13. Review status: reviewed by expert panel. Criteria: ClinGen MyeloMalig ACMG Specifications v2. Collection method: curation. Allele origin: germline. Inheritance: Autosomal dominant inheritance.
Comment: The 1049C>T (NM_001754.5) variant in RUNX1 is a missense variant predicted to cause substitution of proline by leucine at amino acid 350 (p.P350L). This variant is absent from gnomAD v2 and v3 (PM2_Supporting). It also has not been reported in patients with the RUNX1-defined phenotype. The computational predictor REVEL gives a score of 0.577, which is neither below the BP4 threshold of 0.50 or above the PP3 threshold of 0.88, and the splice site predictor SpliceAI indicated that the variant has no impact on splicing. In summary, this variant meets the criteria to be classified as a variant of uncertain significance for hereditary thrombocytopenia and hematologic cancer predisposition syndrome based on the ACMG/AMP criteria applied, as specified by the ClinGen Myeloid Malignancy VCEP: PM2_Supporting.

Labcorp Genetics (formerly Invitae), Labcorp
Classification: Uncertain significance for Hereditary thrombocytopenia and hematological cancer predisposition syndrome associated with RUNX1. Last evaluated: 2019-09-02. Review status: criteria provided, single submitter. Criteria: Invitae Variant Classification Sherloc (09022015). Collection method: clinical testing. Allele origin: germline. Not counted in ClinVar's aggregate classification.
Comment: In summary, the available evidence is currently insufficient to determine the role of this variant in disease. Therefore, it has been classified as a Variant of Uncertain Significance. Algorithms developed to predict the effect of missense changes on protein structure and function are either unavailable or do not agree on the potential impact of this missense change (SIFT: "Deleterious"; PolyPhen-2: "Possibly Damaging"; Align-GVGD: "Class C0"). This variant has not been reported in the literature in individuals with RUNX1-related conditions. This variant is not present in population databases (ExAC no frequency). This sequence change replaces proline with leucine at codon 350 of the RUNX1 protein (p.Pro350Leu). The proline residue is highly conserved and there is a moderate physicochemical difference between proline and leucine.